The following is an entry in ClinVar:

NM_021098.3(CACNA1H):c.6005G>T (p.Gly2002Val)

Gene: CACNA1H (calcium voltage-gated channel subunit alpha1 H; plus strand). Cytogenetic location: 16p13.3.
Variant type: single nucleotide variant.
Coding change: c.6005G>T on transcript NM_021098.3 (MANE Select); coding-DNA position 6005, G replaced by T.
Protein change: p.Gly2002Val; replaces glycine 2002 with valine.
Molecular consequence: missense variant.
Genome position (GRCh38, 1-based): chr16:1,219,087, G>T. VCF-style: chr16-1219087-G-T. GRCh37 (hg19) VCF-style: chr16-1269087-G-T.
Other names: c.5987G>T, p.Gly1996Val (NM_001005407.2); short protein forms G1996V, G2002V.
Identifiers: ClinVar variation 3762303 (VCV003762303.2).
Genomic context (GRCh38, chr16:1,219,087, plus strand): 5'-CATTGGCTGTGTCGTCCCCAGCCAGGAGCGGCGAGCCCCTCCACGCCCTGTCCCCTCGGG[G>T]CACAGCCCGCTCCCCCAGTCTCAGCCGGCTGCTCTGCAGACAGGTAGGAGAAGCCGTTGG-3'
Protein context (NP_066921.2, residues 1992-2012): GEPLHALSPR[Gly2002Val]TARSPSLSRL

ClinVar aggregate classification (germline): Uncertain significance (1 of 4 stars; one submission).

Conditions:
Idiopathic generalized epilepsy. Also called: EIG; Generalised epilepsy. Identifiers: MedGen C0270850, MONDO:0005579, OMIM 600669.
Hyperaldosteronism, familial, type IV (HALD4). Also called: FH IV; ALDOSTERONISM, PRIMARY, AND HYPERTENSION. Identifiers: Orphanet 642671, MedGen C4310756, MONDO:0014875, OMIM 617027.

Submission:

Labcorp Genetics (formerly Invitae), Labcorp
Classification: Uncertain significance for Idiopathic generalized epilepsy; Hyperaldosteronism, familial, type IV. Last evaluated: 2024-11-27. Review status: criteria provided, single submitter. Criteria: Invitae Variant Classification Sherloc (09022015). Collection method: clinical testing. Allele origin: germline.
Comment: This sequence change replaces glycine, which is neutral and non-polar, with valine, which is neutral and non-polar, at codon 2002 of the CACNA1H protein (p.Gly2002Val). This variant is not present in population databases (gnomAD no frequency). This variant has not been reported in the literature in individuals affected with CACNA1H-related conditions. Invitae Evidence Modeling of protein sequence and biophysical properties (such as structural, functional, and spatial information, amino acid conservation, physicochemical variation, residue mobility, and thermodynamic stability) indicates that this missense variant is not expected to disrupt CACNA1H protein function with a negative predictive value of 80%. In summary, the available evidence is currently insufficient to determine the role of this variant in disease. Therefore, it has been classified as a Variant of Uncertain Significance.